The following is an entry in ClinVar:

ClinVar aggregate classification (germline): Uncertain significance. Review status: criteria provided, multiple submitters, no conflicts (2 of 4 stars). 2 submissions from 2 submitters: Uncertain significance (2). Last evaluated 2026-06-12.

Conditions:
PLXNA1-related disorder. Also called: PLXNA1-related condition.

Submissions (2):

PreventionGenetics, part of Exact Sciences
Classification: Uncertain significance for PLXNA1-related condition. Last evaluated: 2026-06-12. Review status: criteria provided, single submitter. Criteria: ACMG Guidelines, 2015. Collection method: clinical testing. Allele origin: germline.
Comment: The PLXNA1 c.199G>T variant is predicted to result in the amino acid substitution p.Ala67Ser. To our knowledge, this variant has not been reported in the literature. This variant is reported in 0.044% of alleles in individuals of Latino descent in gnomAD. At this time, the clinical significance of this variant is uncertain due to the absence of conclusive functional and genetic evidence.

Ambry Genetics
Classification: Uncertain significance. Last evaluated: 2025-12-02. Review status: criteria provided, single submitter. Criteria: Ambry Variant Classification Scheme 2023. Collection method: clinical testing. Allele origin: germline.

NM_032242.4(PLXNA1):c.199G>T (p.Ala67Ser)

Gene: PLXNA1 (plexin A1; plus strand). Cytogenetic location: 3q21.3.
Variant type: single nucleotide variant.
Coding change: c.199G>T on transcript NM_032242.4 (MANE Select); coding-DNA position 199, G replaced by T.
Protein change: p.Ala67Ser; replaces alanine 67 with serine.
Molecular consequence: missense variant.
Genome position (GRCh38, 1-based): chr3:126,988,792, G>T. VCF-style: chr3-126988792-G-T. GRCh37 (hg19) VCF-style: chr3-126707635-G-T.
Other names: short protein forms A67S.
Identifiers: ClinVar variation 4569749 (VCV004569749.2).